The following is an entry in ClinVar:

NM_006031.6(PCNT):c.4865C>T (p.Ala1622Val)

Gene: PCNT (pericentrin; plus strand). Cytogenetic location: 21q22.3.
Variant type: single nucleotide variant.
Coding change: c.4865C>T on transcript NM_006031.6 (MANE Select); coding-DNA position 4865, C replaced by T.
Protein change: p.Ala1622Val; replaces alanine 1622 with valine.
Molecular consequence: missense variant.
Genome position (GRCh38, 1-based): chr21:46,401,624, C>T. VCF-style: chr21-46401624-C-T. GRCh37 (hg19) VCF-style: chr21-47821538-C-T.
Other names: c.4511C>T, p.Ala1504Val (NM_001315529.2); short protein forms A1622V, A1504V.
Identifiers: ClinVar variation 4986742 (VCV004986742.1).

ClinVar aggregate classification (germline): Uncertain significance (1 of 4 stars; one submission).

Conditions:
PCNT-related disorder. Also called: PCNT-related condition.

gnomAD v4.1: 3 of 1,613,878 alleles (0.00019%); highest among the groups gnomAD compares: Non-Finnish European, 0.00017%; no homozygotes.

Submission:

PreventionGenetics, part of Exact Sciences
Classification: Uncertain significance for PCNT-related condition. Last evaluated: 2025-02-19. Review status: criteria provided, single submitter. Criteria: ACMG Guidelines, 2015. Collection method: clinical testing. Allele origin: germline.
Comment: The PCNT c.4865C>T variant is predicted to result in the amino acid substitution p.Ala1622Val. To our knowledge, this variant has not been reported in the literature or in a large population database (gnomAD), indicating this variant is rare. At this time, the clinical significance of this variant is uncertain due to the absence of conclusive functional and genetic evidence.